The following is an entry in ClinVar:

ClinVar aggregate classification (germline): Uncertain significance. Review status: criteria provided, multiple submitters, no conflicts (2 of 4 stars). 3 submissions from 3 submitters: Uncertain significance (3). Last evaluated 2026-03-02.

Conditions:
Inborn genetic diseases. Identifiers: MedGen C0950123, MeSH D030342.

Allele frequency attached by ClinVar (database versions not stated): TOPMed 0.00001.
gnomAD v4.1: 8 of 1,613,440 alleles (0.0005%); highest among the groups gnomAD compares: African/African-American, 0.0027%; no homozygotes.

Submissions (3):

Ambry Genetics
Classification: Uncertain significance for Inborn genetic diseases. Last evaluated: 2026-03-02. Review status: criteria provided, single submitter. Criteria: Ambry Variant Classification Scheme 2023. Collection method: clinical testing. Allele origin: germline.
Comment: The c.4247T>C (p.I1416T) alteration is located in exon 59 (coding exon 59) of the COL11A2 gene. This alteration results from a T to C substitution at nucleotide position 4247, causing the isoleucine (I) at amino acid position 1416 to be replaced by a threonine (T). Based on data from gnomAD, the C allele has an overall frequency of <0.001% (1/246486) total alleles studied. The highest observed frequency was 0.001% (1/110588) of European (non-Finnish) alleles. Based on insufficient or conflicting evidence, the clinical significance of this alteration remains unclear.

Labcorp Genetics (formerly Invitae), Labcorp
Classification: Uncertain significance. Last evaluated: 2025-11-15. Review status: criteria provided, single submitter. Criteria: Invitae Variant Classification Sherloc (09022015). Collection method: clinical testing. Allele origin: germline.
Comment: This sequence change replaces isoleucine, which is neutral and non-polar, with threonine, which is neutral and polar, at codon 1416 of the COL11A2 protein (p.Ile1416Thr). This variant is present in population databases (no rsID available, gnomAD 0.0009%). This variant has not been reported in the literature in individuals affected with COL11A2-related conditions. ClinVar contains an entry for this variant (Variation ID: 1499989). Invitae Evidence Modeling of protein sequence and biophysical properties (such as structural, functional, and spatial information, amino acid conservation, physicochemical variation, residue mobility, and thermodynamic stability) indicates that this missense variant is not expected to disrupt COL11A2 protein function with a negative predictive value of 95%. In summary, the available evidence is currently insufficient to determine the role of this variant in disease. Therefore, it has been classified as a Variant of Uncertain Significance.

GeneDx
Classification: Uncertain significance. Last evaluated: 2024-01-25. Review status: criteria provided, single submitter. Criteria: GeneDx Variant Classification Process June 2021. Collection method: clinical testing. Allele origin: germline. Affected: yes.
Comment: Not observed at significant frequency in large population cohorts (gnomAD); In silico analysis supports that this missense variant has a deleterious effect on protein structure/function; Has not been previously published as pathogenic or benign to our knowledge

NM_080680.3(COL11A2):c.4247T>C (p.Ile1416Thr)

Gene: COL11A2 (collagen type XI alpha 2 chain; minus strand). Cytogenetic location: 6p21.32.
Variant type: single nucleotide variant.
Coding change: c.4247T>C on transcript NM_080680.3 (MANE Select); coding-DNA position 4247, T replaced by C.
Protein change: p.Ile1416Thr; replaces isoleucine 1416 with threonine.
Molecular consequence: missense variant.
Genome position (GRCh38, 1-based): chr6:33,166,811, A>G on the plus strand (T>C on the coding strand, the complement: COL11A2 is on the minus strand). VCF-style: chr6-33166811-A-G. GRCh37 (hg19) VCF-style: chr6-33134588-A-G.
Other names: c.4247T>C (NM_080680.2); c.3926T>C, p.Ile1309Thr (NM_080679.3); c.3989T>C, p.Ile1330Thr (NM_080681.3); short protein forms I1309T, I1330T, I1416T.
Identifiers: ClinVar variation 1499989 (VCV001499989.11), dbSNP rs1428147039, ClinGen allele CA363621418.